The following is an entry in ClinVar:

NM_001349798.2(FBXW7):c.1751C>G (p.Thr584Arg)

Gene: FBXW7 (F-box and WD repeat domain containing 7; minus strand). Cytogenetic location: 4q31.3.
Variant type: single nucleotide variant.
Coding change: c.1751C>G on transcript NM_001349798.2 (MANE Select); coding-DNA position 1751, C replaced by G.
Protein change: p.Thr584Arg; replaces threonine 584 with arginine.
Molecular consequence: missense variant.
Genome position (GRCh38, 1-based): chr4:152,324,288, G>C on the plus strand (C>G on the coding strand, the complement: FBXW7 is on the minus strand). VCF-style: chr4-152324288-G-C. GRCh37 (hg19) VCF-style: chr4-153245440-G-C.
Other names: c.1397C>G, p.Thr466Arg (NM_001013415.2); c.1511C>G, p.Thr504Arg (NM_018315.5); c.1751C>G, p.Thr584Arg (NM_033632.3); short protein forms T466R, T504R, T584R.
Identifiers: ClinVar variation 4530537 (VCV004530537.1).

ClinVar aggregate classification (somatic clinical impact): Tier II - Potential (1 of 4 stars; one submission).

Conditions:
Rhabdomyosarcoma. Also called: Rhabdomyosarcoma (disease). Identifiers: Orphanet 780, MedGen C0035412, MeSH D012208, MONDO:0005212, HP:0002859.

Submission:

Institute for Genomic Medicine (IGM) Clinical Laboratory, Nationwide Children's Hospital
Classification: Tier II - Potential for Rhabdomyosarcoma. Assertion type: diagnostic. Clinical significance: supports diagnosis. Last evaluated: 2023-07-10. Review status: criteria provided, single submitter. Criteria: AMP/ASCO/CAP Guidelines, 2017. Collection method: clinical testing. Allele origin: somatic. Affected: yes.
Comment: Variant has Tier II (potential) clinical significance as a diagnostic inclusion criterion in rhabdomyosarcoma, based on the following evidence: 1) Documented in one or more cancer databases (e.g., St. Jude Pecan, COSMIC, CIViC, OncoKB). 2) Appears in one or more well-established professional guidelines (e.g., World Health Organization [WHO]; National Comprehensive Cancer Network [NCCN]) as providing diagnostic, prognostic, or therapeutic information. 3) Diagnostic significance based on multiple small studies (Evidence Level C; PMIDs: 24436047, 34166060, 25768946).

Literature cited by the submitters: PubMed 24436047; PubMed 34166060; PubMed 25768946.